The following is an entry in ClinVar:

NM_005902.4(SMAD3):c.1014_1020del (p.Gly337_Cys338insTer)

Gene: SMAD3 (SMAD family member 3; plus strand). Cytogenetic location: 15q22.33.
Variant type: Deletion.
Coding change: c.1014_1020del on transcript NM_005902.4 (MANE Select); coding-DNA positions 1014 to 1020, 7 bases deleted (CAACCTG; older notation c.1014_1020delCAACCTG).
Protein change: p.Gly337_Cys338insTer.
Molecular consequence: nonsense.
Genome position (GRCh38, 1-based): chr15:67,187,369-67,187,375, CAACCTG deleted; deleting any 7 consecutive bases within chr15:67,187,367-67,187,375 gives the same sequence; the c. name uses the placement nearest the transcript's 3' end. VCF-style (leftmost placement, unchanged base first): chr15-67187366-ATGCAACC-A. GRCh37 (hg19) VCF-style: chr15-67479704-ATGCAACC-A.
Other names: c.699_705del, p.Gly232_Cys233insTer (NM_001145102.2, NM_001407016.1); c.882_888del, p.Gly293_Cys294insTer (NM_001145103.2, NM_001407012.1); c.429_435del, p.Gly142_Cys143insTer (NM_001145104.2, NM_001407017.1); c.1125_1131del, p.Gly374_Cys375insTer (NM_001407011.1); c.876_882del, p.Gly291_Cys292insTer (NM_001407013.1); c.867_873del, p.Gly288_Cys289insTer (NM_001407014.1); c.567_573del, p.Gly188_Cys189insTer (NM_001407015.1).
Identifiers: ClinVar variation 3663199 (VCV003663199.2).

ClinVar aggregate classification (germline): Pathogenic (1 of 4 stars; one submission).

Conditions:
Familial thoracic aortic aneurysm and aortic dissection (TAAD). Also called: Thoracic aortic aneurysms and dissections. Identifiers: Orphanet 91387, MedGen C4707243, MONDO:0019625.

Submission:

Labcorp Genetics (formerly Invitae), Labcorp
Classification: Pathogenic for Familial thoracic aortic aneurysm and aortic dissection. Last evaluated: 2025-09-13. Review status: criteria provided, single submitter. Criteria: Invitae Variant Classification Sherloc (09022015). Collection method: clinical testing. Allele origin: germline.
Comment: This sequence change creates a premature translational stop signal (p.Cys338*) in the SMAD3 gene. It is expected to result in an absent or disrupted protein product. Loss-of-function variants in SMAD3 are known to be pathogenic (PMID: 21778426, 24804794). This variant is not present in population databases (gnomAD no frequency). This variant has not been reported in the literature in individuals affected with SMAD3-related conditions. ClinVar contains an entry for this variant (Variation ID: 3663199). For these reasons, this variant has been classified as Pathogenic.

Literature cited by the submitters: PubMed 21778426; PubMed 24804794.